The following is an entry in ClinVar:

NM_000834.5(GRIN2B):c.1672G>A (p.Val558Ile)

Gene: GRIN2B (glutamate ionotropic receptor NMDA type subunit 2B; minus strand). Cytogenetic location: 12p13.1.
Variant type: single nucleotide variant.
Coding change: c.1672G>A on transcript NM_000834.5 (MANE Select); coding-DNA position 1672, G replaced by A.
Protein change: p.Val558Ile; replaces valine 558 with isoleucine.
Molecular consequence: missense variant.
Genome position (GRCh38, 1-based): chr12:13,611,833, C>T on the plus strand (G>A on the coding strand, the complement: GRIN2B is on the minus strand). VCF-style: chr12-13611833-C-T. GRCh37 (hg19) VCF-style: chr12-13764767-C-T.
Other names: NM_000834.5(GRIN2B):c.1672G>A; p.Val558Ile; short protein forms V558I.
Identifiers: ClinVar variation 374243 (VCV000374243.20), dbSNP rs1057519004, ClinGen allele CA16043628.

ClinVar aggregate classification (germline): Pathogenic/Likely pathogenic. Review status: criteria provided, multiple submitters, no conflicts (2 of 4 stars). 11 submissions from 11 submitters: Pathogenic (6); Likely pathogenic (2). 3 of the submissions do not count toward it. Last evaluated 2026-03-25.

Conditions:
Complex neurodevelopmental disorder. Identifiers: Orphanet 528084, MedGen C5568766, MONDO:0100038.
Inborn genetic diseases. Identifiers: MedGen C0950123, MeSH D030342.
Intellectual developmental disorder, autosomal dominant 6, with or without seizures. Also called: Intellectual disability, autosomal dominant 6; GRIN2B-related developmental delay, intellectual disability and autism spectrum disorder. Identifiers: Orphanet 589547, MedGen C3151411, MONDO:0013509, OMIM 613970.
Developmental and epileptic encephalopathy, 27 (DEE27). Also called: GRIN2B-Related Neurodevelopmental Disorder; Epileptic encephalopathy, early infantile, 27. Identifiers: Orphanet 3451, MedGen C4015316, MONDO:0014505, OMIM 616139.
intellectual deficiency. Identifiers: MedGen CN228659.
GRIN2B-related disorder. Also called: GRIN2B-related condition.

Submissions (11):

Institute of Human Genetics, University of Leipzig Medical Center
Classification: Pathogenic for Intellectual developmental disorder, autosomal dominant 6, with or without seizures. Last evaluated: 2026-03-25. Review status: criteria provided, single submitter. Criteria: ACMG Guidelines, 2015. Collection method: clinical testing. Allele origin: unknown. Inheritance: Autosomal dominant inheritance. Affected: yes.
Comment: Criteria applied: PS2,PS3,PS4,PM1,PM2,PM5_SUP,PP2

Broad Center for Mendelian Genomics, Broad Institute of MIT and Harvard
Classification: Likely pathogenic for Intellectual developmental disorder, autosomal dominant 6, with or without seizures. Last evaluated: 2026-03-02. Review status: criteria provided, single submitter. Criteria: ACMG Guidelines, 2015. Collection method: research. Allele origin: germline. Inheritance: Autosomal dominant inheritance.
Comment: The p.Val558Ile variant in GRIN2B has been reported in 1 individual with autosomal dominant intellectual developmental disorder-6 (PMID: 28377535), and was absent from large population studies. This variant has also been reported in ClinVar (Variation ID: 374243) and has been interpreted as pathogenic/likely pathogenic by Mendelics, University of Leipzig Medical Center, Hospital Israelita Albert Einstein, GeneDx, Invitae, CHU Rennes, and Simons Searchlight. This variant was found to be de novo in 1 individual with confirmed paternity and maternity (PMID: 28377535). In vitro functional studies provide some evidence that the p.Val558Ile variant may impact protein function (PMID: 28377535, 29681796). However, these types of assays may not accurately represent biological function. Computational prediction tools and conservation analyses do not provide strong support for or against an impact to the protein. The number of missense variants reported in GRIN2B in the general population is lower than expected, suggesting there is little benign variation in this gene and slightly increasing the possibility that a missense variant in this gene may not be tolerated. In summary, although additional studies are required to fully establish its clinical significance, this variant is likely pathogenic for autosomal dominant intellectual developmental disorder-6. ACMG/AMP Criteria applied: PS3_moderate, PP2, PM2_supporting, PS2_supporting, PS4_supporting (Richards 2015).

Ambry Genetics
Classification: Pathogenic for Inborn genetic diseases. Last evaluated: 2025-04-24. Review status: criteria provided, single submitter. Criteria: Ambry Variant Classification Scheme 2023. Collection method: clinical testing. Allele origin: germline.
Comment: The c.1672G>A (p.V558I) alteration is located in exon 8 (coding exon 7) of the GRIN2B gene. This alteration results from a G to A substitution at nucleotide position 1672, causing the valine (V) at amino acid position 558 to be replaced by an isoleucine (I). This variant was not reported in population-based cohorts in the Genome Aggregation Database (gnomAD). This variant was determined to be de novo in at least one individual with features consistent with GRIN2B-related neurodevelopmental disorder (Platzer, 2017; external communication). This amino acid position is highly conserved in available vertebrate species. This missense alteration is located in a region that has a low rate of benign missense variation (Lek, 2016; Firth, 2009). Functional studies suggest a loss of function effect; however, additional evidence is needed to confirm these findings (Platzer, 2017; Vyklicky, 2018). The in silico prediction for this alteration is inconclusive. Based on the available evidence, this alteration is classified as pathogenic.

Labcorp Genetics (formerly Invitae), Labcorp
Classification: Pathogenic for Developmental and epileptic encephalopathy, 27; Intellectual developmental disorder, autosomal dominant 6, with or without seizures. Last evaluated: 2025-03-31. Review status: criteria provided, single submitter. Criteria: Invitae Variant Classification Sherloc (09022015). Collection method: clinical testing. Allele origin: germline.
Comment: This sequence change replaces valine, which is neutral and non-polar, with isoleucine, which is neutral and non-polar, at codon 558 of the GRIN2B protein (p.Val558Ile). This variant is not present in population databases (gnomAD no frequency). This missense change has been observed in individual(s) with autosomal dominant intellectual disability (PMID: 28377535). In at least one individual the variant was observed to be de novo. ClinVar contains an entry for this variant (Variation ID: 374243). Invitae Evidence Modeling of protein sequence and biophysical properties (such as structural, functional, and spatial information, amino acid conservation, physicochemical variation, residue mobility, and thermodynamic stability) indicates that this missense variant is expected to disrupt GRIN2B protein function with a positive predictive value of 95%. Experimental studies have shown that this missense change affects GRIN2B function (PMID: 28377535, 29681796). For these reasons, this variant has been classified as Pathogenic.

GeneDx
Classification: Pathogenic. Last evaluated: 2023-08-24. Review status: criteria provided, single submitter. Criteria: GeneDx Variant Classification Process June 2021. Collection method: clinical testing. Allele origin: germline. Affected: yes.
Comment: Published functional studies demonstrate that V558I affected some GluN2B containing NMDAR channel property (Vyklivky et al., 2018); Not observed in large population cohorts (gnomAD); This variant is associated with the following publications: (PMID: 28867141, 29681796, 28377535, 27839871)

Blueprint Genetics
Classification: Pathogenic for GRIN2B-related disorders. Last evaluated: 2022-11-30. Review status: criteria provided, single submitter. Criteria: ACMG Guidelines, 2015. Collection method: clinical testing. Allele origin: de novo. Affected: yes. Observed: 1 variant allele.

Laboratorio de Genetica e Diagnostico Molecular, Hospital Israelita Albert Einstein
Classification: Likely pathogenic. Last evaluated: 2021-11-23. Review status: criteria provided, single submitter. Criteria: ACMG Guidelines, 2015. Collection method: clinical testing. Allele origin: germline. Affected: yes.
Comment: ACMG classification criteria: PS4, PM2, PM6, PP2, BP4

Mendelics
Classification: Pathogenic for Intellectual developmental disorder, autosomal dominant 6, with or without seizures. Last evaluated: 2019-05-28. Review status: criteria provided, single submitter. Criteria: Mendelics Assertion Criteria 2017. Collection method: clinical testing. Allele origin: unknown.

Solve-RD Consortium
Classification: Likely pathogenic for Intellectual developmental disorder, autosomal dominant 6, with or without seizures. Last evaluated: 2022-06-01. Review status: no assertion criteria provided. Collection method: provider interpretation. Allele origin: de novo. Affected: yes. Not counted in ClinVar's aggregate classification.
Comment: Variant confirmed as disease-causing by referring clinical team

Variant identified during reanalysis of unsolved cases by the Solve-RD project. The Solve-RD project has received funding from the European Union’s Horizon 2020 research and innovation programme under grant agreement No 779257.

Laboratory of Molecular Genetics, CHU Rennes
Classification: Likely pathogenic for Intellectual deficiency. Review status: no assertion criteria provided. Collection method: clinical testing. Allele origin: de novo. Affected: yes. Not counted in ClinVar's aggregate classification.

Genetic Services Laboratory, University of Chicago
Classification: Uncertain significance. Last evaluated: 2016-05-05. Review status: flagged submission. Criteria: ACMG Guidelines, 2015. Collection method: clinical testing. Allele origin: germline. Affected: no. Not counted in ClinVar's aggregate classification.
ClinVar note: Reason: Outlier claim with insufficient supporting evidence

Literature cited by the submitters: PubMed 28377535 (cited by Ambry Genetics and Labcorp Genetics (formerly Invitae), Labcorp); PubMed 29681796 (cited by Ambry Genetics and Labcorp Genetics (formerly Invitae), Labcorp); PubMed 29851452 (cited by Ambry Genetics); PubMed 39825153 (cited by Solve-RD Consortium).